The following is an entry in ClinVar:

NM_000083.3(CLCN1):c.117del (p.Asn39fs)

Gene: CLCN1 (chloride voltage-gated channel 1; plus strand). Cytogenetic location: 7q34.
Variant type: Deletion.
Coding change: c.117del on transcript NM_000083.3 (MANE Select); coding-DNA position 117, one base deleted (T; older notation c.117delT).
Protein change: p.Asn39fs; shifts the reading frame from asparagine 39.
Molecular consequence: frameshift variant. On other transcripts: non-coding transcript variant (1).
Genome position (GRCh38, 1-based): chr7:143,316,329, T deleted. VCF-style (leftmost placement, unchanged base first): chr7-143316328-AT-A. GRCh37 (hg19) VCF-style: chr7-143013421-AT-A.
Other names: short protein forms N39fs.
Identifiers: ClinVar variation 4784880 (VCV004784880.1).
Genomic context (GRCh38, chr7:143,316,328, plus strand): 5'-ACCCCCAGTACCAGTATATGCCCTTTGAACACTGCACCAGCTACGGACTGCCCTCTGAGA[AT>A]GGGGGCCTCCAGCACAGGCTCCGGAAGGATGCAGGCCCCCGCCACAACGTCCACCCCACA-3'

ClinVar aggregate classification (germline): Pathogenic (1 of 4 stars; one submission).

Conditions:
Congenital myotonia, autosomal dominant form (THD). Also called: THOMSEN DISEASE; Myotonia congenita autosomal dominant. Identifiers: Orphanet 614, MedGen C2936781, MONDO:0008055, OMIM 160800.
Congenital myotonia, autosomal recessive form. Also called: BECKER DISEASE; Becker Generalized Myotonia; myotonia congenita, autosomal recessive. Identifiers: Orphanet 614, MedGen C0751360, MONDO:0009715, OMIM 255700.

Submission:

Labcorp Genetics (formerly Invitae), Labcorp
Classification: Pathogenic for Congenital myotonia, autosomal recessive form; Congenital myotonia, autosomal dominant form. Last evaluated: 2025-04-30. Review status: criteria provided, single submitter. Criteria: Invitae Variant Classification Sherloc (09022015). Collection method: clinical testing. Allele origin: germline.
Comment: This sequence change creates a premature translational stop signal (p.Asn39Lysfs*38) in the CLCN1 gene. It is expected to result in an absent or disrupted protein product. Loss-of-function variants in CLCN1 are known to be pathogenic (PMID: 17932099, 22094069, 23739125). This variant is not present in population databases (gnomAD no frequency). This variant has not been reported in the literature in individuals affected with CLCN1-related conditions. For these reasons, this variant has been classified as Pathogenic.

Literature cited by the submitters: PubMed 17932099; PubMed 22094069; PubMed 23739125.